The following is an entry in ClinVar:

NM_001369.3(DNAH5):c.10442G>A (p.Arg3481Gln)

Gene: DNAH5 (dynein axonemal heavy chain 5; minus strand). Cytogenetic location: 5p15.2.
Variant type: single nucleotide variant.
Coding change: c.10442G>A on transcript NM_001369.3 (MANE Select); coding-DNA position 10442, G replaced by A.
Protein change: p.Arg3481Gln; replaces arginine 3481 with glutamine.
Molecular consequence: missense variant.
Genome position (GRCh38, 1-based): chr5:13,754,316, C>T on the plus strand (G>A on the coding strand, the complement: DNAH5 is on the minus strand). VCF-style: chr5-13754316-C-T. GRCh37 (hg19) VCF-style: chr5-13754425-C-T.
Other names: short protein forms R3481Q.
Identifiers: ClinVar variation 904106 (VCV000904106.12), dbSNP rs202169624, ClinGen allele CA3202222.

ClinVar aggregate classification (germline): Conflicting classifications of pathogenicity. Review status: criteria provided, conflicting classifications (1 of 4 stars). 4 submissions from 4 submitters: Uncertain significance (3); Benign (1). Last evaluated 2026-03-01.

Conditions:
Primary ciliary dyskinesia. Also called: Ciliary dyskinesia. Identifiers: Orphanet 244, MedGen C0008780, MONDO:0016575, HP:0012265.
Primary ciliary dyskinesia 3. Identifiers: Orphanet 244, MedGen C1837618, MONDO:0012085, OMIM 608644.

Allele frequency attached by ClinVar (database versions not stated): TOPMed 0.00014.
gnomAD v4.1: 79 of 1,613,954 alleles (0.0049%); highest among the groups gnomAD compares: East Asian, 0.11%; no homozygotes.

Submissions (4):

GeneDx
Classification: Uncertain significance. Last evaluated: 2026-03-01. Review status: criteria provided, single submitter. Criteria: GeneDx Variant Classification Process June 2021. Collection method: clinical testing. Allele origin: germline.
Comment: Reported with a second DNAH5 variant on the opposite allele (in trans) in a critically ill infant undergoing exome sequencing; however, patient specific clinical information was not provided (PMID: 33240318); In silico analysis suggests that this missense variant does not alter protein structure/function; This variant is associated with the following publications: (PMID: 33240318)

Labcorp Genetics (formerly Invitae), Labcorp
Classification: Benign for Primary ciliary dyskinesia. Last evaluated: 2026-02-01. Review status: criteria provided, single submitter. Criteria: Invitae Variant Classification Sherloc (09022015). Collection method: clinical testing. Allele origin: germline.

Fulgent Genetics
Classification: Uncertain significance for Primary ciliary dyskinesia 3. Last evaluated: 2022-05-05. Review status: criteria provided, single submitter. Criteria: ACMG Guidelines, 2015. Collection method: clinical testing. Allele origin: unknown.

Illumina Laboratory Services, Illumina
Classification: Uncertain significance for Primary ciliary dyskinesia 3. Last evaluated: 2018-01-13. Review status: criteria provided, single submitter. Criteria: ICSL Variant Classification Criteria 13 December 2019. Collection method: clinical testing. Allele origin: germline.